The following is an entry in ClinVar:

NM_006885.4(ZFHX3):c.10213C>G (p.Pro3405Ala)

Genes: ZFHX3 (zinc finger homeobox 3; minus strand), ZFHX3-AS1 (ZFHX3 antisense RNA 1; plus strand). Cytogenetic location: 16q22.2.
Variant type: single nucleotide variant.
Coding change: c.10213C>G on transcript NM_006885.4 (MANE Select); coding-DNA position 10213, C replaced by G.
Protein change: p.Pro3405Ala; replaces proline 3405 with alanine.
Molecular consequence: missense variant.
Genome position (GRCh38, 1-based): chr16:72,788,063, G>C on the plus strand (C>G on the coding strand, the complement: ZFHX3 is on the minus strand). VCF-style: chr16-72788063-G-C. GRCh37 (hg19) VCF-style: chr16-72821962-G-C.
Other names: c.7471C>G, p.Pro2491Ala (NM_001164766.2); c.10213C>G, p.Pro3405Ala (NM_001386735.1); short protein forms P2491A, P3405A.
Identifiers: ClinVar variation 4533736 (VCV004533736.6).

ClinVar aggregate classification (germline): Benign (1 of 4 stars; one submission).

gnomAD v4.1: 181 of 1,611,934 alleles (0.011%); highest among the groups gnomAD compares: Middle Eastern, 0.23%; no homozygotes.

Submission:

CeGaT Center for Human Genetics Tuebingen
Classification: Benign. Last evaluated: 2025-11-01. Review status: criteria provided, single submitter. Criteria: CeGaT Center For Human Genetics Tuebingen Variant Classification Criteria Version 2. Collection method: clinical testing. Allele origin: germline. Affected: yes. Observed: 1 variant allele.
Comment: ZFHX3: BP4, BS1, BS2